The following is an entry in ClinVar:

ClinVar aggregate classification (germline): Uncertain significance (1 of 4 stars; one submission).

Submission:

GeneDx
Classification: Uncertain significance. Last evaluated: 2017-01-17. Review status: criteria provided, single submitter. Criteria: GeneDx Variant Classification (06012015). Collection method: clinical testing. Allele origin: germline. Affected: yes.
Comment: A variant of uncertain significance has been identified in an alternative transcript of the NRXN1 gene. The G23D variant has not been published as a pathogenic variant, nor has it been reported as a benign variant to our knowledge. Adequate data is not available in large population cohorts to assess the frequency of this variant in publically available databases (Lek et al., 2016; 1000 Genomes Consortium et al., 2015; Exome Variant Server). The G23D variant is a non-conservative amino acid substitution, which is likely to impact secondary protein structure as these residues differ in polarity, charge, size and/or other properties. However, this substitution occurs at a position that is not conserved. In silico analysis is inconsistent in its predictions as to whether or not the variant is damaging to the protein structure/function. Therefore, based on the currently available information, it is unclear whether this variant is a pathogenic variant or a rare benign variant.

NM_001330078.2(NRXN1):c.3365-109912G>A

Gene: NRXN1 (neurexin 1; minus strand). Cytogenetic location: 2p16.3.
Variant type: single nucleotide variant.
Coding change: c.3365-109912G>A on transcript NM_001330078.2 (MANE Select); 109912 bases into the intron before coding-DNA position 3365, G replaced by A.
Molecular consequence: intron variant. On other transcripts: missense variant (4).
Genome position (GRCh38, 1-based): chr2:50,346,882, C>T on the plus strand (G>A on the coding strand, the complement: NRXN1 is on the minus strand). VCF-style: chr2-50346882-C-T. GRCh37 (hg19) VCF-style: chr2-50574020-C-T.
Other names: c.68G>A, p.Gly23Asp (NM_001330091.2, NM_001330092.2, NM_001330097.2 and 1 more transcripts); c.3254-109912G>A (NM_001330096.2, NM_001330087.2); c.3299-109912G>A (NM_001330083.2, NM_001330084.2); c.3284-109912G>A (NM_001330088.2); c.3362-109912G>A (NM_001330093.2); c.3353-109912G>A (NM_001330094.2); c.3314-109912G>A (NM_001330095.2); c.3341-109912G>A (NM_001330082.2, NM_001330077.2); and 3 more; short protein forms G23D.
Identifiers: ClinVar variation 392825 (VCV000392825.2), dbSNP rs1057524649, ClinGen allele CA16604349.